The following is an entry in ClinVar:

ClinVar aggregate classification (germline): Likely pathogenic (1 of 4 stars; one submission).

Conditions:
Smith-Lemli-Opitz syndrome (SLOS). Also called: LETHAL ACRODYSGENITAL SYNDROME; POLYDACTYLY, SEX REVERSAL, RENAL HYPOPLASIA, AND UNILOBAR LUNG; RSH SYNDROME; RUTLEDGE LETHAL MULTIPLE CONGENITAL ANOMALY SYNDROME; 7-Dehydrocholesterol reductase deficiency. Identifiers: Orphanet 818, MedGen C0175694, MONDO:0010035, OMIM 270400.

Submission:

Natera, Inc.
Classification: Likely pathogenic for Smith-Lemli-Opitz syndrome. Last evaluated: 2026-01-14. Review status: criteria provided, single submitter. Criteria: Natera Variant Classification Schema (03/2026). Collection method: clinical testing. Allele origin: germline.
Comment: The c.278del variant in DHCR7 is a frameshift variant predicted to shift the reading frame beginning at codon 93 and leads to a stop codon 34 codons downstream. This variant is expected to result in nonsense mediated decay, truncation, or a dysfunctional protein product. This variant is rare in the general population with a frequency below the threshold expected for the associated phenotype(s). Given the available evidence, this variant is classified as Likely Pathogenic.

NM_001360.3(DHCR7):c.278del (p.Thr93fs)

Gene: DHCR7 (7-dehydrocholesterol reductase; minus strand). Cytogenetic location: 11q13.4.
Variant type: Deletion.
Coding change: c.278del on transcript NM_001360.3 (MANE Select); coding-DNA position 278, one base deleted (C; older notation c.278delC).
Protein change: p.Thr93fs; shifts the reading frame from threonine 93.
Molecular consequence: frameshift variant.
Genome position (GRCh38, 1-based): chr11:71,444,036, G deleted on the plus strand (C on the coding strand, the reverse complement: DHCR7 is on the minus strand). VCF-style (leftmost placement, unchanged base first): chr11-71444035-CG-C. GRCh37 (hg19) VCF-style: chr11-71155081-CG-C.
Other names: c.278del, p.Thr93fs (NM_001163817.2, NM_001425107.1, NM_001425108.1 and 8 more transcripts); c.278delC, p.Thr93Argfs (NM_001360.2); c.182del, p.Thr61fs (NM_001425113.1, NM_001425114.1, NM_001425116.1); c.104del, p.Thr35fs (NM_001425117.1); short protein forms T35fs, T61fs, T93fs.
Identifiers: ClinVar variation 4814820 (VCV004814820.1).
Genomic context (GRCh38, chr11:71,444,035, plus strand): 5'-AGGGCAGGGGCTGCTGACCTGGAAGGTGACCCACAAGGTATAGAGCTGGGCGGCTTTCCT[CG>C]TTATAGGTGGAGTCTTGGCCCAGATGTCCGAGAGCCGAGCATGTCCGGTGACGATGTCCA-3'